The following is an entry in ClinVar:

NM_001111067.4(ACVR1):c.422T>C (p.Leu141Pro)

Gene: ACVR1 (activin A receptor type 1; minus strand). Cytogenetic location: 2q24.1.
Variant type: single nucleotide variant.
Coding change: c.422T>C on transcript NM_001111067.4 (MANE Select); coding-DNA position 422, T replaced by C.
Protein change: p.Leu141Pro; replaces leucine 141 with proline.
Molecular consequence: missense variant.
Genome position (GRCh38, 1-based): chr2:157,778,252, A>G on the plus strand (T>C on the coding strand, the complement: ACVR1 is on the minus strand). VCF-style: chr2-157778252-A-G. GRCh37 (hg19) VCF-style: chr2-158634764-A-G.
Other names: c.422T>C, p.Leu141Pro (NM_001105.5, NM_001347663.1, NM_001347664.1 and 3 more transcripts); short protein forms L141P.
Identifiers: ClinVar variation 2093437 (VCV002093437.4), dbSNP rs760813831, ClinGen allele CA1919159.

ClinVar aggregate classification (germline): Uncertain significance (1 of 4 stars; one submission).

Allele frequency attached by ClinVar (database versions not stated): ExAC 0.00001.

Submission:

Labcorp Genetics (formerly Invitae), Labcorp
Classification: Uncertain significance. Last evaluated: 2022-02-05. Review status: criteria provided, single submitter. Criteria: Invitae Variant Classification Sherloc (09022015). Collection method: clinical testing. Allele origin: germline.
Comment: In summary, the available evidence is currently insufficient to determine the role of this variant in disease. Therefore, it has been classified as a Variant of Uncertain Significance. Algorithms developed to predict the effect of missense changes on protein structure and function are either unavailable or do not agree on the potential impact of this missense change (SIFT: "Deleterious"; PolyPhen-2: "Possibly Damaging"; Align-GVGD: "Class C0"). This variant has not been reported in the literature in individuals affected with ACVR1-related conditions. This variant is present in population databases (rs760813831, gnomAD 0.0009%). This sequence change replaces leucine, which is neutral and non-polar, with proline, which is neutral and non-polar, at codon 141 of the ACVR1 protein (p.Leu141Pro).